The following is an entry in ClinVar:

ClinVar aggregate classification (germline): Pathogenic/Likely pathogenic. Review status: criteria provided, multiple submitters, no conflicts (2 of 4 stars). 5 submissions from 5 submitters: Pathogenic (3); Likely pathogenic (1). 1 of the submissions does not count toward it. Last evaluated 2024-08-29.

Conditions:
Biotinidase deficiency. Also called: Biotin deficiency; BTD deficiency; Late-onset biotin-responsive multiple carboxylase deficiency. Identifiers: Orphanet 79241, MedGen C0220754, MONDO:0009665, OMIM 253260.

Allele frequency attached by ClinVar (database versions not stated): TOPMed 0.00001; gnomAD exomes 0.00001 and below 0.00001; ExAC 0.00001.

Submissions (5):

Natera, Inc.
Classification: Pathogenic for Biotinidase deficiency. Last evaluated: 2024-08-29. Review status: criteria provided, single submitter. Criteria: Natera Variant Classification Schema (03/2026). Collection method: clinical testing. Allele origin: germline.
Comment: The c.577del variant in BTD is a frameshift variant predicted to shift the reading frame beginning at codon 193 and leads to a stop codon 51 codons downstream. This variant is expected to result in nonsense mediated decay, truncation, or a dysfunctional protein product. This variant is rare in the general population with a frequency below the threshold expected for the associated phenotype(s). This variant has been observed in one or more individuals affected with the associated recessive disease, as either homozygous or compound heterozygous with a second variant (PMID: 29359854). Functional studies show that this variant may disrupt protein function (PMID: 29359854). Given the available evidence, this variant is classified as Pathogenic.

Fulgent Genetics
Classification: Likely pathogenic for Biotinidase deficiency. Last evaluated: 2024-04-08. Review status: criteria provided, single submitter. Criteria: ACMG Guidelines, 2015. Collection method: clinical testing. Allele origin: germline.

Labcorp Genetics (formerly Invitae), Labcorp
Classification: Pathogenic for Biotinidase deficiency. Last evaluated: 2024-02-25. Review status: criteria provided, single submitter. Criteria: Invitae Variant Classification Sherloc (09022015). Collection method: clinical testing. Allele origin: germline.
Comment: This sequence change creates a premature translational stop signal (p.His213Thrfs*51) in the BTD gene. While this is not anticipated to result in nonsense mediated decay, it is expected to disrupt the last 331 amino acid(s) of the BTD protein. This variant is present in population databases (rs780874850, gnomAD 0.006%). This premature translational stop signal has been observed in individual(s) with biotinidase deficiency (PMID: 29359854). ClinVar contains an entry for this variant (Variation ID: 590811). Studies have shown that this premature translational stop signal alters BTD gene expression (PMID: 29359854). This variant disrupts a region of the BTD protein in which other variant(s) (p.Leu498Phefs*13) have been determined to be pathogenic (PMID: 17382128, 19728141, 29359854). This suggests that this is a clinically significant region of the protein, and that variants that disrupt it are likely to be disease-causing. For these reasons, this variant has been classified as Pathogenic.

Baylor Genetics
Classification: Pathogenic for Biotinidase deficiency. Last evaluated: 2024-02-19. Review status: criteria provided, single submitter. Criteria: ACMG Guidelines, 2015. Collection method: clinical testing. Allele origin: unknown.

SingHealth Duke-NUS Institute of Precision Medicine
Classification: Likely pathogenic for Biotinidase deficiency. Last evaluated: 2017-06-07. Review status: no assertion criteria provided. Collection method: curation. Allele origin: germline. Affected: no. Not counted in ClinVar's aggregate classification.

Literature cited by the submitters: PubMed 29359854 (cited by Natera, Inc. and Labcorp Genetics (formerly Invitae), Labcorp); PubMed 17382128 (cited by Labcorp Genetics (formerly Invitae), Labcorp); PubMed 19728141 (cited by Labcorp Genetics (formerly Invitae), Labcorp).

NM_001370658.1(BTD):c.577del (p.His193fs)

Gene: BTD (biotinidase; plus strand). Cytogenetic location: 3p25.1.
Variant type: Deletion.
Coding change: c.577del on transcript NM_001370658.1 (MANE Select); coding-DNA position 577, one base deleted (C; older notation c.577delC).
Protein change: p.His193fs; shifts the reading frame from histidine 193.
Molecular consequence: frameshift variant. On other transcripts: intron variant (6).
Genome position (GRCh38, 1-based): chr3:15,644,493, C deleted. VCF-style (leftmost placement, unchanged base first): chr3-15644492-AC-A. GRCh37 (hg19) VCF-style: chr3-15685999-AC-A.
Other names: c.399+2436del (NM_001370753.1, NM_001407400.1, NM_001407380.1 and 3 more transcripts); c.577del, p.His193fs (NM_001407365.1, NM_001407366.1, NM_001407367.1 and 18 more transcripts); c.637del (NM_000060.4); c.637delC, p.His213Thrfs (NM_000060.4); short protein forms H193fs.
Identifiers: ClinVar variation 590811 (VCV000590811.12), dbSNP rs780874850, ClinGen allele CA2277352.